The following is an entry in ClinVar:

ClinVar aggregate classification (germline): Pathogenic (1 of 4 stars; one submission).

Allele frequency attached by ClinVar (database versions not stated): gnomAD exomes below 0.00001.
gnomAD v4.1: 1 of 1,613,098 alleles (0.000062%); highest among the groups gnomAD compares: Non-Finnish European, 0.000085%; no homozygotes.

Submission:

Labcorp Genetics (formerly Invitae), Labcorp
Classification: Pathogenic. Last evaluated: 2022-08-27. Review status: criteria provided, single submitter. Criteria: Invitae Variant Classification Sherloc (09022015). Collection method: clinical testing. Allele origin: germline.
Comment: For these reasons, this variant has been classified as Pathogenic. This variant has not been reported in the literature in individuals affected with COL18A1-related conditions. This variant is not present in population databases (gnomAD no frequency). This sequence change creates a premature translational stop signal (p.Gln1069*) in the COL18A1 gene. It is expected to result in an absent or disrupted protein product. Loss-of-function variants in COL18A1 are known to be pathogenic (PMID: 12415512, 25456301).

Literature cited by the submitters: PubMed 12415512; PubMed 25456301.

NM_001379500.1(COL18A1):c.3214C>T (p.Gln1072Ter)

Genes: COL18A1 (collagen type XVIII alpha 1 chain; plus strand), SLC19A1 (solute carrier family 19 member 1; minus strand). Cytogenetic location: 21q22.3.
Variant type: single nucleotide variant.
Coding change: c.3214C>T on transcript NM_001379500.1 (MANE Select); coding-DNA position 3214, C replaced by T.
Protein change: p.Gln1072Ter; replaces glutamine 1072 with a stop codon.
Molecular consequence: nonsense.
Genome position (GRCh38, 1-based): chr21:45,505,964, C>T. VCF-style: chr21-45505964-C-T. GRCh37 (hg19) VCF-style: chr21-46925878-C-T.
Other names: c.3745C>T, p.Gln1249Ter (NM_030582.4); c.4450C>T, p.Gln1484Ter (NM_130444.3); short protein forms Q1484*, Q1072*, Q1249*.
Identifiers: ClinVar variation 2027440 (VCV002027440.4), dbSNP rs2517803465, ClinGen allele CA410500162.